The following is an entry in ClinVar:

ClinVar aggregate classification (germline): Uncertain significance (1 of 4 stars; one submission).

Conditions:
Inborn genetic diseases. Identifiers: MedGen C0950123, MeSH D030342.

Submission:

Ambry Genetics
Classification: Uncertain significance for Inborn genetic diseases. Last evaluated: 2026-04-05. Review status: criteria provided, single submitter. Criteria: Ambry Variant Classification Scheme 2023. Collection method: clinical testing. Allele origin: germline.
Comment: The p.I1633V variant (also known as c.4897A>G), located in coding exon 32 of the ANKRD26 gene, results from an A to G substitution at nucleotide position 4897. The isoleucine at codon 1633 is replaced by valine, an amino acid with highly similar properties. This amino acid position is conserved. In addition, this alteration is predicted to be tolerated by in silico analysis. Based on the available evidence, the clinical significance of this variant remains unclear.

NM_014915.3(ANKRD26):c.4897A>G (p.Ile1633Val)

Gene: ANKRD26 (ankyrin repeat domain 26; minus strand). Cytogenetic location: 10p12.1.
Variant type: single nucleotide variant.
Coding change: c.4897A>G on transcript NM_014915.3 (MANE Select); coding-DNA position 4897, A replaced by G.
Protein change: p.Ile1633Val; replaces isoleucine 1633 with valine.
Molecular consequence: missense variant.
Genome position (GRCh38, 1-based): chr10:27,012,938, T>C on the plus strand (A>G on the coding strand, the complement: ANKRD26 is on the minus strand). VCF-style: chr10-27012938-T-C. GRCh37 (hg19) VCF-style: chr10-27301867-T-C.
Other names: c.4894A>G, p.Ile1632Val (NM_001256053.2); short protein forms I1632V, I1633V.
Identifiers: ClinVar variation 4859238 (VCV004859238.1).
Genomic context (GRCh38, chr10:27,012,938, plus strand): 5'-TAACCTTGCTCAAGTAGTTCTCCATGCTATTATTTGAAGCCCGTGGATTTGAGGTAGAGA[T>C]CACTAAGTTTTCTCTTGGAATAAGTTTTCTGTTGAGATCTAAACTATTATTAAGATTTCC-3'
Protein context (NP_055730.2, residues 1623-1643): RKLIPRENLV[Ile1633Val]STSNPRASNN